The following is an entry in ClinVar:

NM_001519.4(BRF1):c.681C>A (p.Gly227=)

Gene: BRF1 (BRF1 general transcription factor IIIB subunit; minus strand). Cytogenetic location: 14q32.33.
Variant type: single nucleotide variant.
Coding change: c.681C>A on transcript NM_001519.4 (MANE Select); coding-DNA position 681, C replaced by A.
Protein change: p.Gly227=; no amino-acid change (glycine 227 retained).
Molecular consequence: synonymous variant. On other transcripts: intron variant (4).
Genome position (GRCh38, 1-based): chr14:105,241,278, G>T on the plus strand (C>A on the coding strand, the complement: BRF1 is on the minus strand). VCF-style: chr14-105241278-G-T. GRCh37 (hg19) VCF-style: chr14-105707615-G-T.
Other names: c.336C>A, p.Gly112= (NM_001242786.2, NM_001242787.2); c.600C>A, p.Gly200= (NM_001242788.2); c.681C>A, p.Gly227= (NM_001440449.1); c.168C>A, p.Gly56= (NM_001440452.1, NM_001440453.1); c.69C>A, p.Gly23= (NM_145685.3); c.199+11229C>A (NM_001440451.1); c.544+11229C>A (NM_001440450.1); c.-21+7871C>A (NM_001242789.2); and 1 more.
Identifiers: ClinVar variation 4822662 (VCV004822662.4).

ClinVar aggregate classification (germline): Likely benign (1 of 4 stars; one submission).

gnomAD v4.1: 2 of 1,611,894 alleles (0.00012%); highest among the groups gnomAD compares: Non-Finnish European, 0.000085%; no homozygotes.

Submission:

CeGaT Center for Human Genetics Tuebingen
Classification: Likely benign. Last evaluated: 2026-03-01. Review status: criteria provided, single submitter. Criteria: CeGaT Center For Human Genetics Tuebingen Variant Classification Criteria Version 2. Collection method: clinical testing. Allele origin: germline. Affected: yes. Observed: 1 variant allele.
Comment: BRF1: BP4, BP7